The following is an entry in ClinVar:

ClinVar aggregate classification (germline): Uncertain significance. Review status: criteria provided, multiple submitters, no conflicts (2 of 4 stars). 2 submissions from 2 submitters: Uncertain significance (2). Last evaluated 2024-10-28.

Conditions:
X-linked agammaglobulinemia with growth hormone deficiency (IGHD3). Also called: FLEISHER SYNDROME; HYPOGAMMAGLOBULINEMIA AND ISOLATED GROWTH HORMONE DEFICIENCY, X-LINKED; IGHD III; Isolated growth hormone deficiency type 3; Growth hormone deficiency with hypogammaglobulinemia; ISOLATED GROWTH HORMONE DEFICIENCY, TYPE III, WITH AGAMMAGLOBULINEMIA. Identifiers: Orphanet 231692, Orphanet 631, MedGen C0472813, MONDO:0010615, OMIM 307200.

Allele frequency attached by ClinVar (database versions not stated): ExAC 0.00001; gnomAD exomes 0.00001 and 0.00002; gnomAD 0.00004; TOPMed 0.00005.
gnomAD v4.1: 29 of 1,209,604 alleles (0.0024%); highest among the groups gnomAD compares: Non-Finnish European, 0.0032%; no homozygotes.

Submissions (2):

Labcorp Genetics (formerly Invitae), Labcorp
Classification: Uncertain significance for X-linked agammaglobulinemia with growth hormone deficiency. Last evaluated: 2024-10-28. Review status: criteria provided, single submitter. Criteria: Invitae Variant Classification Sherloc (09022015). Collection method: clinical testing. Allele origin: germline.
Comment: This sequence change falls in intron 10 of the BTK gene. It does not directly change the encoded amino acid sequence of the BTK protein. It affects a nucleotide within the consensus splice site. This variant is present in population databases (rs781949555, gnomAD 0.003%), including at least one homozygous and/or hemizygous individual. This variant has not been reported in the literature in individuals affected with BTK-related conditions. ClinVar contains an entry for this variant (Variation ID: 1368908). Variants that disrupt the consensus splice site are a relatively common cause of aberrant splicing (PMID: 17576681, 9536098). Algorithms developed to predict the effect of sequence changes on RNA splicing suggest that this variant is not likely to affect RNA splicing. In summary, the available evidence is currently insufficient to determine the role of this variant in disease. Therefore, it has been classified as a Variant of Uncertain Significance.

ARUP Laboratories, Molecular Genetics and Genomics, ARUP Laboratories
Classification: Uncertain significance. Last evaluated: 2023-12-22. Review status: criteria provided, single submitter. Criteria: ARUP Molecular Germline Variant Investigation Process 2024. Collection method: clinical testing. Allele origin: germline.
Comment: The BTK c.894+3A>G variant (rs781949555), to our knowledge, is not reported in the medical literature but is reported in ClinVar (Variation ID: 1368908). This variant is observed in the general population with an overall allele frequency of 0.001% (2/183363 alleles, including 1 hemizygote) in the Genome Aggregation Database (v2.1.1). This is an intronic variant and computational analyses (Alamut Visual Plus v.1.5.1) predict that this variant does not alter splicing. However, since this variant is located within the minimal splice region, the clinical significance of this variant is uncertain at this time.

Literature cited by the submitters: PubMed 17576681 (cited by Labcorp Genetics (formerly Invitae), Labcorp); PubMed 9536098 (cited by Labcorp Genetics (formerly Invitae), Labcorp).

NM_000061.3(BTK):c.894+3A>G

Gene: BTK (Bruton tyrosine kinase; minus strand). Cytogenetic location: Xq22.1.
Variant type: single nucleotide variant.
Coding change: c.894+3A>G on transcript NM_000061.3 (MANE Select); 3 bases into the intron after coding-DNA position 894, A replaced by G.
Molecular consequence: intron variant.
Genome position (GRCh38, 1-based): chrX:101,359,290, T>C on the plus strand (A>G on the coding strand, the complement: BTK is on the minus strand). VCF-style: chrX-101359290-T-C. GRCh37 (hg19) VCF-style: chrX-100614278-T-C.
Other names: c.996+3A>G (NM_001287344.2); c.894+3A>G (NM_001287345.2).
Identifiers: ClinVar variation 1368908 (VCV001368908.6), dbSNP rs781949555, ClinGen allele CA10473100.